The following is an entry in ClinVar:

NM_007126.5(VCP):c.1082-18_1082-8dup

Gene: VCP (valosin containing protein; minus strand). Cytogenetic location: 9p13.3.
Variant type: Duplication.
Coding change: c.1082-18_1082-8dup on transcript NM_007126.5 (MANE Select); 18 bases into the intron before coding-DNA position 1082 through 8 bases into the intron before coding-DNA position 1082, 11 bases duplicated (TTGTGTACTGT).
Molecular consequence: intron variant.
Genome position (GRCh38, 1-based): chr9:35,061,697-35,061,707, ACAGTACACAA duplicated on the plus strand (TTGTGTACTGT on the coding strand, the reverse complement: VCP is on the minus strand); duplicating any 11 consecutive bases within chr9:35,061,697-35,061,710 gives the same sequence; the c. name uses the placement nearest the transcript's 3' end. VCF-style (leftmost placement, unchanged base first): chr9-35061696-G-GACAGTACACAA. GRCh37 (hg19) VCF-style: chr9-35061693-G-GACAGTACACAA.
Other names: p.?; c.947-18_947-8dup (NM_001354927.2, NM_001354928.2); c.1082-18_1082-8dupTTGTGTACTGT (NM_007126.3).
Identifiers: ClinVar variation 260119 (VCV000260119.32), dbSNP rs11272867, ClinGen allele CA5039309.

ClinVar aggregate classification (germline): Benign. Review status: criteria provided, multiple submitters, no conflicts (2 of 4 stars). 11 submissions from 11 submitters: Benign (6). 5 of the submissions do not count toward it. Last evaluated 2026-02-04.

Conditions:
Frontotemporal dementia and/or amyotrophic lateral sclerosis 6 (FTDALS6). Also called: VCP-Related Amyotrophic Lateral Sclerosis; VCP-Related Amyotrophic Lateral Sclerosis/Frontotemporal Dementia. Identifiers: Orphanet 275872, Orphanet 803, MedGen C5436279, MONDO:0013501, OMIM 613954.
Inclusion body myopathy with Paget disease of bone and frontotemporal dementia. Also called: Inclusion body myopathy with early-onset Paget disease and frontotemporal dementia. Identifiers: Orphanet 52430, MedGen C1833662, MONDO:0000507.
VCP-related disorder. Also called: VCP-related condition; VCP-related disorders.

Submissions (11):

Labcorp Genetics (formerly Invitae), Labcorp
Classification: Benign for Inclusion body myopathy with Paget disease of bone and frontotemporal dementia; Frontotemporal dementia and/or amyotrophic lateral sclerosis 6. Last evaluated: 2026-02-04. Review status: criteria provided, single submitter. Criteria: Invitae Variant Classification Sherloc (09022015). Collection method: clinical testing. Allele origin: germline.

Blueprint Genetics
Classification: Benign. Last evaluated: 2024-11-27. Review status: criteria provided, single submitter. Criteria: ACMG Guidelines, 2015. Collection method: clinical testing. Allele origin: germline.

Dubai Health Genomic Medicine Center, Dubai Health
Classification: Benign. Last evaluated: 2019-12-15. Review status: criteria provided, single submitter. Criteria: ACMG Guidelines, 2015. Collection method: clinical testing. Allele origin: germline. Affected: yes.

Eurofins Ntd Llc (ga)
Classification: Benign. Last evaluated: 2018-08-14. Review status: criteria provided, single submitter. Criteria: EGL ClinVar v180209 classification definitions. Collection method: clinical testing. Allele origin: germline. Observed: 1 variant allele, 1 heterozygote.

GeneDx
Classification: Benign. Last evaluated: 2018-07-06. Review status: criteria provided, single submitter. Criteria: GeneDx Variant Classification Process June 2021. Collection method: clinical testing. Allele origin: germline. Affected: yes.

Mayo Clinic Laboratories, Mayo Clinic
Classification: Benign. Last evaluated: 2017-11-03. Review status: criteria provided, single submitter. Criteria: ACMG Guidelines, 2015. Collection method: clinical testing. Allele origin: germline. Observed: 1,889 variant alleles.

PreventionGenetics, part of Exact Sciences
Classification: Benign for VCP-related condition. Last evaluated: 2020-03-27. Review status: no assertion criteria provided. Collection method: clinical testing. Allele origin: germline. Not counted in ClinVar's aggregate classification.
Comment: This variant is classified as benign based on ACMG/AMP sequence variant interpretation guidelines (Richards et al. 2015 PMID: 25741868, with internal and published modifications).

Clinical Genetics DNA and cytogenetics Diagnostics Lab, Erasmus MC, Erasmus Medical Center
Classification: Benign. Review status: no assertion criteria provided. Collection method: clinical testing. Allele origin: germline. Affected: yes. Study: VKGL Data-share Consensus. Not counted in ClinVar's aggregate classification.

Clinical Genetics, Academic Medical Center
Classification: Benign. Review status: no assertion criteria provided. Collection method: clinical testing. Allele origin: germline. Affected: yes. Study: VKGL Data-share Consensus. Not counted in ClinVar's aggregate classification.

Diagnostic Laboratory, Department of Genetics, University Medical Center Groningen
Classification: Benign. Review status: no assertion criteria provided. Collection method: clinical testing. Allele origin: germline. Affected: yes. Study: VKGL Data-share Consensus. Not counted in ClinVar's aggregate classification.

Genome Diagnostics Laboratory, Amsterdam University Medical Center
Classification: Benign. Review status: no assertion criteria provided. Collection method: clinical testing. Allele origin: germline. Affected: yes. Study: VKGL Data-share Consensus. Not counted in ClinVar's aggregate classification.